The following is an entry in ClinVar:

ClinVar aggregate classification (germline): Benign (1 of 4 stars; one submission).

Submission:

CeGaT Center for Human Genetics Tuebingen
Classification: Benign. Last evaluated: 2022-04-01. Review status: criteria provided, single submitter. Criteria: CeGaT Center For Human Genetics Tuebingen Variant Classification Criteria Version 2. Collection method: clinical testing. Allele origin: germline. Affected: yes. Observed: 1 variant allele.
Comment: GLI3: BS1, BS2

NM_000168.6(GLI3):c.*248dup

Gene: GLI3 (GLI family zinc finger 3; minus strand). Cytogenetic location: 7p14.1.
Variant type: Duplication.
Coding change: c.*248dup on transcript NM_000168.6 (MANE Select); 248 bases downstream of the stop codon, one base duplicated (T; older notation c.*248dupT).
Molecular consequence: 3 prime UTR variant.
Genome position (GRCh38, 1-based): chr7:41,964,082, A duplicated on the plus strand (T on the coding strand, the reverse complement: GLI3 is on the minus strand); the first of 5 consecutive A bases (chr7:41,964,082-41,964,086); duplicating any one gives the same sequence. VCF-style (leftmost placement, unchanged base first): chr7-41964081-T-TA. GRCh37 (hg19) VCF-style: chr7-42003679-T-TA.
Identifiers: ClinVar variation 360214 (VCV000360214.29), dbSNP rs5883809, ClinGen allele CA10629207.